The following is an entry in ClinVar:

NM_001429.4(EP300):c.5745G>C (p.Gln1915His)

Gene: EP300 (E1A binding protein p300; plus strand). Cytogenetic location: 22q13.2.
Variant type: single nucleotide variant.
Coding change: c.5745G>C on transcript NM_001429.4 (MANE Select); coding-DNA position 5745, G replaced by C.
Protein change: p.Gln1915His; replaces glutamine 1915 with histidine.
Molecular consequence: missense variant.
Genome position (GRCh38, 1-based): chr22:41,177,456, G>C. VCF-style: chr22-41177456-G-C. GRCh37 (hg19) VCF-style: chr22-41573460-G-C.
Other names: c.5667G>C, p.Gln1889His (NM_001362843.2); short protein forms Q1889H, Q1915H.
Identifiers: ClinVar variation 2505570 (VCV002505570.1), dbSNP rs2145517458, ClinGen allele CA411709813.

ClinVar aggregate classification (germline): Likely benign (1 of 4 stars; one submission).

Conditions:
Menke-Hennekam syndrome 2 (MKHK2). Identifiers: MedGen C5193035, MONDO:0020769, OMIM 618333.

Submission:

Dr. med. U. Finckh, Human Genetics, Eurofins MVZ
Classification: Likely benign for Menke-Hennekam syndrome 2. Review status: criteria provided, single submitter. Criteria: ACMG Guidelines, 2015. Collection method: clinical testing. Allele origin: maternal. Affected: no.